The following is an entry in ClinVar:

ClinVar aggregate classification (germline): Likely pathogenic. Review status: criteria provided, multiple submitters, no conflicts (2 of 4 stars). 2 submissions from 2 submitters: Likely pathogenic (2). Last evaluated 2025-06-29.

Conditions:
Hereditary cancer-predisposing syndrome. Also called: Tumor predisposition; Hereditary neoplastic syndrome; Neoplastic Syndromes, Hereditary; Hereditary Cancer Syndrome. Identifiers: Orphanet 140162, MedGen C0027672, MeSH D009386, MONDO:0015356.

gnomAD v4.1: 1 of 1,612,836 alleles (0.000062%); highest among the groups gnomAD compares: South Asian, 0.0011%; no homozygotes.

Submissions (2):

GeneDx
Classification: Likely pathogenic. Last evaluated: 2025-06-29. Review status: criteria provided, single submitter. Criteria: GeneDx Variant Classification Process June 2021. Collection method: clinical testing. Allele origin: germline. Affected: yes.
Comment: Canonical splice site variant predicted to result in a null allele in a gene for which loss of function is a known mechanism of disease; Not observed at significant frequency in large population cohorts (gnomAD); Has not been previously published as pathogenic or benign to our knowledge

Ambry Genetics
Classification: Likely pathogenic for Hereditary cancer-predisposing syndrome. Last evaluated: 2025-05-16. Review status: criteria provided, single submitter. Criteria: Ambry Variant Classification Scheme 2023. Collection method: clinical testing. Allele origin: germline.
Comment: The c.3094-1G>T intronic variant results from a G to T substitution one nucleotide upstream from coding exon 19 of the DICER1 gene. This variant was reported in individual(s) with features consistent with DICER1-related tumor predisposition syndrome (Ambry internal data). This nucleotide position is highly conserved in available vertebrate species. In silico splice site analysis predicts that this alteration will weaken the native splice acceptor site and will result in the creation or strengthening of a novel splice acceptor site. RNA studies have demonstrated that this alteration results in abnormal splicing in the set of samples tested (Ambry internal data). This variant is considered to be rare based on population cohorts in the Genome Aggregation Database (gnomAD). Alterations that disrupt the canonical splice site are expected to cause aberrant splicing, resulting in an abnormal protein or a transcript that is subject to nonsense-mediated mRNA decay. As such, this alteration is classified as likely pathogenic.

NM_177438.3(DICER1):c.3094-1G>T

Gene: DICER1 (dicer 1, ribonuclease III; minus strand). Cytogenetic location: 14q32.13.
Variant type: single nucleotide variant.
Coding change: c.3094-1G>T on transcript NM_177438.3 (MANE Select); the canonical splice acceptor site of the intron before coding-DNA position 3094, G replaced by T.
Molecular consequence: splice acceptor variant.
Genome position (GRCh38, 1-based): chr14:95,105,247, C>A on the plus strand (G>T on the coding strand, the complement: DICER1 is on the minus strand). VCF-style: chr14-95105247-C-A. GRCh37 (hg19) VCF-style: chr14-95571584-C-A.
Other names: c.3094-1G>T (NM_001291628.2, NM_030621.4, NM_001395677.1 and 12 more transcripts); c.2689-1G>T (NM_001395690.1, NM_001395687.1, NM_001395689.1 and 2 more transcripts); c.2812-1G>T (NM_001395686.1); c.2527-1G>T (NM_001395691.1); c.1411-1G>T (NM_001395697.1).
Identifiers: ClinVar variation 4011658 (VCV004011658.2).
Genomic context (GRCh38, chr14:95,105,247, plus strand): 5'-AGCTTTTCTCCACAGTGATGCTGGAATTGGATGTATAGCACAGAGTTCTGGAACCAGTAT[C>A]TTCAAGTAAGGGGAAAAATGGACAGATAAATACAAAGCGCACACACAAAAGAAAAAAAAA-3'